The following is an entry in ClinVar:

NM_003630.3(PEX3):c.863_864insAT (p.Phe288fs)

Gene: PEX3 (peroxisomal biogenesis factor 3; plus strand). Cytogenetic location: 6q24.2.
Variant type: Insertion.
Coding change: c.863_864insAT on transcript NM_003630.3 (MANE Select); coding-DNA positions 863 to 864, AT inserted.
Protein change: p.Phe288fs; shifts the reading frame from phenylalanine 288.
Molecular consequence: frameshift variant.
Genome position: GRCh38 VCF-style: chr6-143479119-T-TTA. GRCh37 (hg19) VCF-style: chr6-143800256-T-TTA.
Other names: short protein forms F288fs.
Identifiers: ClinVar variation 4724601 (VCV004724601.1).
Genomic context (GRCh38, chr6:143,479,119, plus strand): 5'-CTTCTTACTTTATATAGCCCAGATTTTAGTACAGTTTTGAATACCTGTTTAAACCGAGGT[T>TTA]TTAGTAGACTTCTAGACAATATGGCTGAGTTCTTTCGACCTACTGAACAGGACCTGCAAC-3'

ClinVar aggregate classification (germline): Pathogenic (1 of 4 stars; one submission).

Submission:

Labcorp Genetics (formerly Invitae), Labcorp
Classification: Pathogenic. Last evaluated: 2025-08-01. Review status: criteria provided, single submitter. Criteria: Invitae Variant Classification Sherloc (09022015). Collection method: clinical testing. Allele origin: germline.
Comment: This sequence change creates a premature translational stop signal (p.Phe288Leufs*6) in the PEX3 gene. It is expected to result in an absent or disrupted protein product. Loss-of-function variants in PEX3 are known to be pathogenic (PMID: 10942428, 21031596). This variant is not present in population databases (gnomAD no frequency). This variant has not been reported in the literature in individuals affected with PEX3-related conditions. Algorithms developed to predict the effect of sequence changes on RNA splicing suggest that this variant may disrupt the consensus splice site. For these reasons, this variant has been classified as Pathogenic.

Literature cited by the submitters: PubMed 10942428; PubMed 21031596.